The following is an entry in ClinVar:

ClinVar aggregate classification (germline): Conflicting classifications of pathogenicity. Review status: criteria provided, conflicting classifications (1 of 4 stars). 6 submissions from 6 submitters: Uncertain significance (4); Likely benign (1). 1 of the submissions does not count toward it. Last evaluated 2026-01-28.

Conditions:
Dubin-Johnson syndrome (DJS). Also called: Jaundice, Chronic Idiopathic; HYPERBILIRUBINEMIA, DUBIN-JOHNSON TYPE; Hyperbilirubinemia type 2. Identifiers: Orphanet 234, MedGen C0022350, MONDO:0009380, OMIM 237500.
ABCC2-related disorder. Also called: ABCC2-related condition.

Allele frequency attached by ClinVar (database versions not stated): 1000 Genomes Project 30x 0.00016; 1000 Genomes Project 0.00020; TOPMed 0.00025; gnomAD 0.00026 and 0.00028; ESP Exome Variant Server 0.00046; gnomAD exomes 0.00048; ExAC 0.00057.
gnomAD v4.1: 542 of 1,614,190 alleles (0.034%); highest among the groups gnomAD compares: Middle Eastern, 0.49%; 2 homozygotes.

Submissions (6):

Labcorp Genetics (formerly Invitae), Labcorp
Classification: Likely benign. Last evaluated: 2026-01-28. Review status: criteria provided, single submitter. Criteria: Invitae Variant Classification Sherloc (09022015). Collection method: clinical testing. Allele origin: germline.

Blueprint Genetics
Classification: Uncertain significance. Last evaluated: 2024-06-24. Review status: criteria provided, single submitter. Criteria: ACMG Guidelines, 2015. Collection method: clinical testing. Allele origin: germline.

Eurofins Ntd Llc (ga)
Classification: Uncertain significance. Last evaluated: 2018-08-16. Review status: criteria provided, single submitter. Criteria: EGL ClinVar v180209 classification definitions. Collection method: clinical testing. Allele origin: germline. Observed: 4 variant alleles, 4 heterozygotes.

Illumina Laboratory Services, Illumina
Classification: Uncertain significance for Dubin-Johnson syndrome. Last evaluated: 2017-04-27. Review status: criteria provided, single submitter. Criteria: ICSL Variant Classification Criteria 13 December 2019. Collection method: clinical testing. Allele origin: germline.

Breakthrough Genomics
Classification: Uncertain significance. Review status: criteria provided, single submitter. Criteria: ACMG Guidelines, 2015. Collection method: not provided. Allele origin: germline. Inheritance: Autosomal recessive inheritance. Affected: yes.

PreventionGenetics, part of Exact Sciences
Classification: Likely benign for ABCC2-related condition. Last evaluated: 2023-05-15. Review status: no assertion criteria provided. Collection method: clinical testing. Allele origin: germline. Not counted in ClinVar's aggregate classification.
Comment: This variant is classified as likely benign based on ACMG/AMP sequence variant interpretation guidelines (Richards et al. 2015 PMID: 25741868, with internal and published modifications).

NM_000392.5(ABCC2):c.3057G>C (p.Gln1019His)

Gene: ABCC2 (ATP binding cassette subfamily C member 2; plus strand). Cytogenetic location: 10q24.2.
Variant type: single nucleotide variant.
Coding change: c.3057G>C on transcript NM_000392.5 (MANE Select); coding-DNA position 3057, G replaced by C.
Protein change: p.Gln1019His; replaces glutamine 1019 with histidine.
Molecular consequence: missense variant.
Genome position (GRCh38, 1-based): chr10:99,831,784, G>C. VCF-style: chr10-99831784-G-C. GRCh37 (hg19) VCF-style: chr10-101591541-G-C.
Other names: c.3057G>C (NM_000392.4); c.3057G>C, p.Gln1019His (LRG_1208t1); short protein forms Q1019H.
Identifiers: ClinVar variation 592313 (VCV000592313.17), dbSNP rs144521346, ClinGen allele CA5643669.